The following is an entry in ClinVar:

NM_005120.3(MED12):c.6162G>A (p.Gln2054=)

Gene: MED12 (mediator complex subunit 12; plus strand). Cytogenetic location: Xq13.1.
Variant type: single nucleotide variant.
Coding change: c.6162G>A on transcript NM_005120.3 (MANE Select); coding-DNA position 6162, G replaced by A.
Protein change: p.Gln2054=; no amino-acid change (glutamine 2054 retained).
Molecular consequence: synonymous variant.
Genome position (GRCh38, 1-based): chrX:71,140,752, G>A. VCF-style: chrX-71140752-G-A. GRCh37 (hg19) VCF-style: chrX-70360602-G-A.
Identifiers: ClinVar variation 4821479 (VCV004821479.4).
Genomic context (GRCh38, chrX:71,140,752, plus strand): 5'-TGCCCAGGGCGTCCAGGCAGGCGTCCGTTCAACAGCCATCCTACCTGAGCAGCAGCAGCA[G>A]CAGCAACAGCAGCAACAGCAACAGCAGCAGCAGCAGCAACAGCAACAGCAGCAGCAGCAG-3'
Protein context (NP_005111.2, residues 2044-2064): STAILPEQQQ[Gln2054=]QQQQQQQQQQ

ClinVar aggregate classification (germline): Likely benign (1 of 4 stars; one submission).

Submission:

CeGaT Center for Human Genetics Tuebingen
Classification: Likely benign. Last evaluated: 2026-01-01. Review status: criteria provided, single submitter. Criteria: CeGaT Center For Human Genetics Tuebingen Variant Classification Criteria Version 2. Collection method: clinical testing. Allele origin: germline. Affected: yes. Observed: 1 variant allele.
Comment: MED12: PM2:Supporting, BP4, BP7